The following is an entry in ClinVar:

NM_005676.5(RBM10):c.1463C>T (p.Ala488Val)

Gene: RBM10 (RNA binding motif protein 10; plus strand). Cytogenetic location: Xp11.3.
Variant type: single nucleotide variant.
Coding change: c.1463C>T on transcript NM_005676.5 (MANE Select); coding-DNA position 1463, C replaced by T.
Protein change: p.Ala488Val; replaces alanine 488 with valine.
Molecular consequence: missense variant.
Genome position (GRCh38, 1-based): chrX:47,181,534, C>T. VCF-style: chrX-47181534-C-T. GRCh37 (hg19) VCF-style: chrX-47040933-C-T.
Other names: c.1232C>T, p.Ala411Val (NM_001204466.2); c.1460C>T, p.Ala487Val (NM_001204467.2); c.1658C>T, p.Ala553Val (NM_001204468.2); c.1229C>T, p.Ala410Val (NM_152856.3); c.1463C>T (NM_005676.4); short protein forms A411V, A488V, A410V, A487V, A553V.
Identifiers: ClinVar variation 3699594 (VCV003699594.3).

ClinVar aggregate classification (germline): Uncertain significance. Review status: criteria provided, multiple submitters, no conflicts (2 of 4 stars). 2 submissions from 2 submitters: Uncertain significance (2). Last evaluated 2025-06-12.

Conditions:
Inborn genetic diseases. Identifiers: MedGen C0950123, MeSH D030342.

gnomAD v4.1: 8 of 1,210,302 alleles (0.00066%); highest among the groups gnomAD compares: Non-Finnish European, 0.00078%; no homozygotes.

Submissions (2):

Labcorp Genetics (formerly Invitae), Labcorp
Classification: Uncertain significance. Last evaluated: 2025-06-12. Review status: criteria provided, single submitter. Criteria: Invitae Variant Classification Sherloc (09022015). Collection method: clinical testing. Allele origin: germline.
Comment: This sequence change replaces alanine, which is neutral and non-polar, with valine, which is neutral and non-polar, at codon 488 of the RBM10 protein (p.Ala488Val). The frequency data for this variant in the population databases is considered unreliable, as metrics indicate poor data quality at this position in the gnomAD database. This variant has not been reported in the literature in individuals affected with RBM10-related conditions. ClinVar contains an entry for this variant (Variation ID: 3699594). An algorithm developed to predict the effect of missense changes on protein structure and function outputs the following: PolyPhen-2: "Benign". The valine amino acid residue is found in multiple mammalian species, which suggests that this missense change does not adversely affect protein function. In summary, the available evidence is currently insufficient to determine the role of this variant in disease. Therefore, it has been classified as a Variant of Uncertain Significance.

Ambry Genetics
Classification: Uncertain significance for Inborn genetic diseases. Last evaluated: 2025-01-01. Review status: criteria provided, single submitter. Criteria: Ambry Variant Classification Scheme 2023. Collection method: clinical testing. Allele origin: germline.